The following is an entry in ClinVar:

ClinVar aggregate classification (germline): Likely pathogenic (3 of 4 stars; one submission).

Conditions:
Phenylketonuria (PKU). Also called: OLIGOPHRENIA PHENYLPYRUVICA; Phenylketonuria (PKU); Phenylketonurias; FOLLING DISEASE. Identifiers: Orphanet 716, MedGen C0031485, MONDO:0009861, OMIM 261600. Disease mechanism: loss of function.

Submission:

ClinGen PAH Variant Curation Expert Panel
Classification: Likely pathogenic for Phenylketonuria. Last evaluated: 2024-11-17. Review status: reviewed by expert panel. Criteria: ClinGen PAH ACMG Specifications v1. Collection method: curation. Allele origin: germline. Inheritance: Autosomal recessive inheritance.
Comment: The c.1246C>A (p.Pro416Thr) variant in PAH has been reported in 1 patient with mild non-PKU HPA with Phe = 246-420umol/L (BH4 deficiency not excluded) (PP4; PMID: 9380432). It has been reported in unknown phase with the pathogenic p.R408Q variant (ClinVar ID: 577) (PM3_Supporting). This variant is absent from the population database gnomAD v2.1.1. (PM2_Supporting). This variant is predicted to be deleterious by REVEL (score 0.965) (PP3_Strong). A different missense variant at the same site, p.Pro416Gln, has been classified as likely pathogenic in ClinVar by the PAH VCEP (ID: 558091, PM5_Supporting). In summary, this variant meets criteria to be classified as likely pathogenic for phenylketonuria in an autosomal recessive manner based on the ACMG/AMP criteria applied as specified by the PAH Expert Panel: PM2_Supporting, PM3_Supporting, PP3_Strong, PP4, PM5_supporting.

NM_000277.3(PAH):c.1246C>A (p.Pro416Thr)

Gene: PAH (phenylalanine hydroxylase; minus strand). Cytogenetic location: 12q23.2.
Variant type: single nucleotide variant.
Coding change: c.1246C>A on transcript NM_000277.3 (MANE Select); coding-DNA position 1246, C replaced by A.
Protein change: p.Pro416Thr; replaces proline 416 with threonine.
Molecular consequence: missense variant.
Genome position (GRCh38, 1-based): chr12:102,840,469, G>T on the plus strand (C>A on the coding strand, the complement: PAH is on the minus strand). VCF-style: chr12-102840469-G-T. GRCh37 (hg19) VCF-style: chr12-103234247-G-T.
Other names: NM_001354304.2:c.1246C>A; c.1246C>A, p.Pro416Thr (NM_001354304.2); short protein forms P416T.
Identifiers: ClinVar variation 987913 (VCV000987913.2), dbSNP rs1874541064, ClinGen allele CA16020980.